The following is an entry in ClinVar:

ClinVar aggregate classification (germline): Likely benign. Review status: criteria provided, multiple submitters, no conflicts (2 of 4 stars). 3 submissions from 3 submitters: Likely benign (3). Last evaluated 2025-12-05.

Conditions:
Emery-Dreifuss muscular dystrophy 4, autosomal dominant (EDMD4). Also called: EMERY-DREIFUSS MUSCULAR DYSTROPHY 4 WITH VARIABLE FEATURES. Identifiers: Orphanet 261, MedGen C2751807, MONDO:0013071, OMIM 612998.
Autosomal recessive ataxia, Beauce type. Also called: SYNE1 Deficiency; Spinocerebellar ataxia, autosomal recessive 8; ATAXIA, RECESSIVE, OF BEAUCE; SYNE1-Related Autosomal Recessive Cerebellar Ataxia. Identifiers: Orphanet 88644, MedGen C1853116, MONDO:0012549, OMIM 610743.

Allele frequency attached by ClinVar (database versions not stated): gnomAD exomes 0.00006 and 0.00013; ExAC 0.00016; gnomAD 0.00052 and 0.00054; TOPMed 0.00059; ESP Exome Variant Server 0.00062; 1000 Genomes Project 30x 0.00094; 1000 Genomes Project 0.00100.
gnomAD v4.1: 165 of 1,609,256 alleles (0.01%); highest among the groups gnomAD compares: African/African-American, 0.19%; no homozygotes.

Submissions (3):

Labcorp Genetics (formerly Invitae), Labcorp
Classification: Likely benign for Emery-Dreifuss muscular dystrophy 4, autosomal dominant; Autosomal recessive ataxia, Beauce type. Last evaluated: 2025-12-05. Review status: criteria provided, single submitter. Criteria: Invitae Variant Classification Sherloc (09022015). Collection method: clinical testing. Allele origin: germline.

GeneDx
Classification: Likely benign. Last evaluated: 2018-01-17. Review status: criteria provided, single submitter. Criteria: GeneDx Variant Classification (06012015). Collection method: clinical testing. Allele origin: germline. Affected: yes.
Comment: This variant is considered likely benign or benign based on one or more of the following criteria: it is a conservative change, it occurs at a poorly conserved position in the protein, it is predicted to be benign by multiple in silico algorithms, and/or has population frequency not consistent with disease.

Breakthrough Genomics
Classification: Likely benign. Review status: criteria provided, single submitter. Criteria: ACMG Guidelines, 2015. Collection method: not provided. Allele origin: germline. Inheritance: Autosomal recessive inheritance. Affected: yes.

NM_182961.4(SYNE1):c.3395+17C>T

Gene: SYNE1 (spectrin repeat containing nuclear envelope protein 1; minus strand). Cytogenetic location: 6q25.2.
Variant type: single nucleotide variant.
Coding change: c.3395+17C>T on transcript NM_182961.4 (MANE Select); 17 bases into the intron after coding-DNA position 3395, C replaced by T.
Molecular consequence: intron variant.
Genome position (GRCh38, 1-based): chr6:152,450,608, G>A on the plus strand (C>T on the coding strand, the complement: SYNE1 is on the minus strand). VCF-style: chr6-152450608-G-A. GRCh37 (hg19) VCF-style: chr6-152771743-G-A.
Other names: c.3416+17C>T (NM_033071.5).
Identifiers: ClinVar variation 514732 (VCV000514732.10), dbSNP rs183904423, ClinGen allele CA4058863.